The following is an entry in ClinVar:

ClinVar aggregate classification (germline): Likely pathogenic (1 of 4 stars; one submission).

Conditions:
Osteogenesis imperfecta type I (OI1). Also called: Classic Non-deforming Osteogenesis Imperfecta with Blue Sclerae; Lobstein's Disease; Lobstein disease; OI, TYPE I; OSTEOGENESIS IMPERFECTA TARDA; OSTEOGENESIS IMPERFECTA WITH BLUE SCLERAE. Identifiers: Orphanet 216796, Orphanet 666, MedGen C0023931, MONDO:0008146, OMIM 166200. Disease mechanism: loss of function.

gnomAD v4.1: 13 of 1,612,750 alleles (0.00081%); highest among the groups gnomAD compares: Non-Finnish European, 0.0011%; no homozygotes.

Submission:

Labcorp Genetics (formerly Invitae), Labcorp
Classification: Likely pathogenic for Osteogenesis imperfecta type I. Last evaluated: 2025-11-04. Review status: criteria provided, single submitter. Criteria: Invitae Variant Classification Sherloc (09022015). Collection method: clinical testing. Allele origin: germline.
Comment: This sequence change replaces glycine, which is neutral and non-polar, with alanine, which is neutral and non-polar, at codon 233 of the COL1A1 protein (p.Gly233Ala). This variant is not present in population databases (gnomAD no frequency). This variant has not been reported in the literature in individuals affected with COL1A1-related conditions. ClinVar contains an entry for this variant (Variation ID: 3607458). Experimental studies and prediction algorithms are not available or were not evaluated, and the functional significance of this variant is currently unknown. This variant disrupts the triple helix domain of COL1A1. Glycine residues within the Gly-Xaa-Yaa repeats of the triple helix domain are required for the structure and stability of fibrillar collagens (PMID: 7695699, 8218237, 19344236). In COL1A1, variants affecting these glycine residues are significantly enriched in individuals with disease (PMID: 9016532, 17078022) compared to the general population (ExAC). In summary, the currently available evidence indicates that the variant is pathogenic, but additional data are needed to prove that conclusively. Therefore, this variant has been classified as Likely Pathogenic.

Literature cited by the submitters: PubMed 7695699; PubMed 8218237; PubMed 19344236; PubMed 9016532; PubMed 17078022.

NM_000088.4(COL1A1):c.698G>C (p.Gly233Ala)

Genes: COL1A1 (collagen type I alpha 1 chain; minus strand), LOC126862586 (CDK7 strongly-dependent group 2 enhancer GRCh37_chr17:48273702-48274901; plus strand). Cytogenetic location: 17q21.33.
Variant type: single nucleotide variant.
Coding change: c.698G>C on transcript NM_000088.4 (MANE Select); coding-DNA position 698, G replaced by C.
Protein change: p.Gly233Ala; replaces glycine 233 with alanine.
Molecular consequence: missense variant.
Genome position (GRCh38, 1-based): chr17:50,197,232, C>G on the plus strand (G>C on the coding strand, the complement: COL1A1 is on the minus strand). VCF-style: chr17-50197232-C-G. GRCh37 (hg19) VCF-style: chr17-48274593-C-G.
Other names: short protein forms G233A.
Identifiers: ClinVar variation 3607458 (VCV003607458.2).